The following is an entry in ClinVar:

ClinVar aggregate classification (germline): Uncertain significance (1 of 4 stars; one submission).

Conditions:
Early-infantile DEE. Also called: Early infantile epileptic encephalopathy; Ohtahara syndrome; Early infantile epileptic encephalopathy with suppression bursts. Identifiers: Orphanet 1934, MedGen C0393706, MONDO:0800491.

Submission:

Labcorp Genetics (formerly Invitae), Labcorp
Classification: Uncertain significance for Early-infantile DEE. Last evaluated: 2022-03-19. Review status: criteria provided, single submitter. Criteria: Invitae Variant Classification Sherloc (09022015). Collection method: clinical testing. Allele origin: germline.
Comment: In summary, the available evidence is currently insufficient to determine the role of this variant in disease. Therefore, it has been classified as a Variant of Uncertain Significance. Experimental studies and prediction algorithms are not available or were not evaluated, and the functional significance of this variant is currently unknown. This variant has not been reported in the literature in individuals affected with CACNA2D2-related conditions. This variant is not present in population databases (gnomAD no frequency). This sequence change results in a frameshift in the CACNA2D2 gene (p.Gln1132Glyfs*43). While this is not anticipated to result in nonsense mediated decay, it is expected to disrupt the last 12 amino acid(s) of the CACNA2D2 protein and extend the protein by 30 additional amino acid residues.

NM_006030.4(CACNA2D2):c.3385_3389dup (p.Gln1132fs)

Genes: CACNA2D2 (calcium voltage-gated channel auxiliary subunit alpha2delta 2; minus strand), LOC127898564 (CYB561D2-LOC101928965; plus strand). Cytogenetic location: 3p21.31.
Variant type: Duplication.
Coding change: c.3385_3389dup on transcript NM_006030.4 (MANE Select); coding-DNA positions 3385 to 3389, 5 bases duplicated (CCCCG; older notation c.3385_3389dupCCCCG).
Protein change: p.Gln1132fs; shifts the reading frame from glutamine 1132.
Molecular consequence: frameshift variant.
Genome position (GRCh38, 1-based): chr3:50,364,709-50,364,713, CGGGG duplicated on the plus strand (CCCCG on the coding strand, the reverse complement: CACNA2D2 is on the minus strand); duplicating any 5 consecutive bases within chr3:50,364,709-50,364,716 gives the same sequence; the c. name uses the placement nearest the transcript's 3' end. VCF-style (leftmost placement, unchanged base first): chr3-50364708-C-CCGGGG. GRCh37 (hg19) VCF-style: chr3-50402139-C-CCGGGG.
Other names: c.3391_3395dup, p.Gln1134fs (NM_001005505.3); c.3406_3410dup, p.Gln1139fs (NM_001174051.3); c.3184_3188dup, p.Gln1065fs (NM_001291101.1); short protein forms Q1134fs, Q1139fs, Q1065fs, Q1132fs.
Identifiers: ClinVar variation 1462131 (VCV001462131.7), dbSNP rs2109394014, ClinGen allele CA2573137215.